The following is an entry in ClinVar:

NM_000051.4(ATM):c.8715A>G (p.Thr2905=)

Genes: ATM (ATM serine/threonine kinase; plus strand), C11orf65 (chromosome 11 open reading frame 65; minus strand). Cytogenetic location: 11q22.3.
Variant type: single nucleotide variant.
Coding change: c.8715A>G on transcript NM_000051.4 (MANE Select); coding-DNA position 8715, A replaced by G.
Protein change: p.Thr2905=; no amino-acid change (threonine 2905 retained).
Molecular consequence: synonymous variant. On other transcripts: intron variant (2).
Genome position (GRCh38, 1-based): chr11:108,353,809, A>G. VCF-style: chr11-108353809-A-G. GRCh37 (hg19) VCF-style: chr11-108224536-A-G.
Other names: c.8715A>G, p.Thr2905= (NM_001351834.2); c.640+32111T>C (NM_001330368.2); c.695-18517T>C (NM_001351110.2).
Identifiers: ClinVar variation 186415 (VCV000186415.20), dbSNP rs786202933, ClinGen allele CA194758.

ClinVar aggregate classification (germline): Benign/Likely benign. Review status: criteria provided, multiple submitters, no conflicts (2 of 4 stars). 5 submissions from 5 submitters: Benign (1); Likely benign (4). Last evaluated 2025-05-07.

Conditions:
Hereditary cancer-predisposing syndrome. Also called: Hereditary Cancer Syndrome; Tumor predisposition; Neoplastic Syndromes, Hereditary; Hereditary neoplastic syndrome. Identifiers: Orphanet 140162, MedGen C0027672, MeSH D009386, MONDO:0015356.
Familial cancer of breast. Also called: hereditary breast carcinoma; BREAST CANCER, FAMILIAL; Hereditary breast cancer. Identifiers: Orphanet 227535, MedGen C0346153, MONDO:0016419, OMIM 114480. Disease mechanism: loss of function.
Ataxia-telangiectasia syndrome (AT). Also called: ATAXIA-TELANGIECTASIA, COMPLEMENTATION GROUP A; ATAXIA-TELANGIECTASIA, FRESNO VARIANT; Ataxia-telangiectasia; Ataxia-telangiectasia, complementation group E; Cerebello-oculocutaneous telangiectasia; Immunodeficiency with ataxia telangiectasia. Identifiers: Orphanet 100, MedGen C0004135, MONDO:0008840, OMIM 208900.

Allele frequency attached by ClinVar (database versions not stated): gnomAD exomes below 0.00001.
gnomAD v4.1: 1 of 1,614,136 alleles (0.000062%); highest among the groups gnomAD compares: Admixed American, 0.0017%; no homozygotes.

Submissions (5):

Labcorp Genetics (formerly Invitae), Labcorp
Classification: Likely benign for Ataxia-telangiectasia syndrome. Last evaluated: 2025-05-07. Review status: criteria provided, single submitter. Criteria: Invitae Variant Classification Sherloc (09022015). Collection method: clinical testing. Allele origin: germline.

Myriad Genetics, Inc.
Classification: Benign for Familial cancer of breast. Last evaluated: 2024-06-20. Review status: criteria provided, single submitter. Criteria: Myriad Autosomal Dominant, Autosomal Recessive and X-Linked Classification Criteria (2023). Collection method: clinical testing. Allele origin: unknown.
Comment: This variant is considered benign. This variant is a silent/synonymous amino acid change and it is not expected to impact splicing.

Women's Health and Genetics/Laboratory Corporation of America, LabCorp
Classification: Likely benign. Last evaluated: 2020-06-27. Review status: criteria provided, single submitter. Criteria: LabCorp Variant Classification Summary - May 2015. Collection method: clinical testing. Allele origin: germline.

Color Diagnostics, LLC DBA Color Health
Classification: Likely benign for Hereditary cancer-predisposing syndrome. Last evaluated: 2019-12-20. Review status: criteria provided, single submitter. Criteria: ACMG Guidelines, 2015. Collection method: clinical testing. Allele origin: germline.

Ambry Genetics
Classification: Likely benign for Hereditary cancer-predisposing syndrome. Last evaluated: 2014-10-02. Review status: criteria provided, single submitter. Criteria: Ambry Variant Classification Scheme 2023. Collection method: clinical testing. Allele origin: germline.